The following is an entry in ClinVar:

ClinVar aggregate classification (germline): Uncertain significance. Review status: criteria provided, multiple submitters, no conflicts (2 of 4 stars). 5 submissions from 5 submitters: Uncertain significance (5). Last evaluated 2025-09-18.

Conditions:
Dilated cardiomyopathy 1HH (CMD1HH). Identifiers: Orphanet 154, MedGen C3151293, MONDO:0013479, OMIM 613881.
Myofibrillar myopathy 6. Identifiers: Orphanet 199340, MedGen C2751831, MONDO:0013061, OMIM 612954.
Cardiovascular phenotype. Identifiers: MedGen CN230736.

Allele frequency attached by ClinVar (database versions not stated): gnomAD exomes 0.00002 and 0.00003; TOPMed 0.00002; ExAC 0.00003; gnomAD 0.00003; ESP Exome Variant Server 0.00015.
gnomAD v4.1: 43 of 1,613,962 alleles (0.0027%); highest among the groups gnomAD compares: Non-Finnish European, 0.0036%; no homozygotes.

Submissions (5):

Ambry Genetics
Classification: Uncertain significance for Cardiovascular phenotype. Last evaluated: 2025-09-18. Review status: criteria provided, single submitter. Criteria: Ambry Variant Classification Scheme 2023. Collection method: clinical testing. Allele origin: germline.
Comment: The p.P321S variant (also known as c.961C>T), located in coding exon 4 of the BAG3 gene, results from a C to T substitution at nucleotide position 961. The proline at codon 321 is replaced by serine, an amino acid with similar properties. This variant was reported in one case from a dilated cardiomyopathy (DCM) cohort with limited clinical details provided (Mazzarotto F et al. Circulation, 2020 02;141:387-398). This amino acid position is well conserved in available vertebrate species. In addition, this alteration is predicted to be tolerated by in silico analysis. Since supporting evidence is limited at this time, the clinical significance of this alteration remains unclear.

Fulgent Genetics
Classification: Uncertain significance for Myofibrillar myopathy 6; Dilated cardiomyopathy 1HH. Last evaluated: 2024-05-01. Review status: criteria provided, single submitter. Criteria: ACMG Guidelines, 2015. Collection method: clinical testing. Allele origin: germline.

Labcorp Genetics (formerly Invitae), Labcorp
Classification: Uncertain significance for Dilated cardiomyopathy 1HH; Myofibrillar myopathy 6. Last evaluated: 2024-01-29. Review status: criteria provided, single submitter. Criteria: Invitae Variant Classification Sherloc (09022015). Collection method: clinical testing. Allele origin: germline.
Comment: This sequence change replaces proline, which is neutral and non-polar, with serine, which is neutral and polar, at codon 321 of the BAG3 protein (p.Pro321Ser). This variant is present in population databases (rs376832654, gnomAD 0.006%). This missense change has been observed in individual(s) with dilated cardiomyopathy (PMID: 31983221). ClinVar contains an entry for this variant (Variation ID: 201683). Advanced modeling of protein sequence and biophysical properties (such as structural, functional, and spatial information, amino acid conservation, physicochemical variation, residue mobility, and thermodynamic stability) performed at Invitae indicates that this missense variant is not expected to disrupt BAG3 protein function with a negative predictive value of 80%. In summary, the available evidence is currently insufficient to determine the role of this variant in disease. Therefore, it has been classified as a Variant of Uncertain Significance.

Women's Health and Genetics/Laboratory Corporation of America, LabCorp
Classification: Uncertain significance. Last evaluated: 2024-01-02. Review status: criteria provided, single submitter. Criteria: LabCorp Variant Classification Summary - May 2015. Collection method: clinical testing. Allele origin: germline.
Comment: Variant summary: BAG3 c.961C>T (p.Pro321Ser) results in a non-conservative amino acid change in the encoded protein sequence. Three of five in-silico tools predict a benign effect of the variant on protein function. The variant allele was found at a frequency of 2.7e-05 in 1613962 control chromosomes. This frequency is not significantly higher than estimated for a pathogenic variant in BAG3 causing Dilated Cardiomyopathy (2.7e-05 vs 3.9e-05), allowing no conclusion about variant significance. c.961C>T has been reported in the literature in individuals affected with Dilated Cardiomyopathy without strong evidence of causality (Mazzarotto_2020, McGurk_2023). These reports do not provide unequivocal conclusions about association of the variant with Dilated Cardiomyopathy. To our knowledge, no experimental evidence demonstrating an impact on protein function has been reported. Two submitters have cited clinical-significance assessments for this variant to ClinVar after 2014. All submitters classified the variant as uncertain significance. Based on the evidence outlined above, the variant was classified as uncertain significance.

GeneDx
Classification: Uncertain significance. Last evaluated: 2014-08-22. Review status: criteria provided, single submitter. Criteria: GeneDx Variant Classification (06012015). Collection method: clinical testing. Allele origin: germline. Affected: yes.
Comment: p.Pro321Ser (CCA>TCA): c.961 C>T in exon 4 of the BAG3 gene (NM_004281.3). A variant of unknown significance has been identified in the BAG3 gene. The P321S variant has not been published as a mutation, nor has it been reported as a benign polymorphism to our knowledge. P321S was not observed with any significant frequency in 6503 individuals of European and African American descent in the NHLBI Exome Sequencing Project. Missense mutations in nearby residues have not been reported indicating this region of the protein may tolerate change. However, the P321S variant is a non-conservative amino acid substitution, which is likely to impact secondary protein structure as these residues differ in polarity, charge, size and/or other properties. In silico analysis is inconsistent in its predictions as to whether or not the variant is damaging to the protein structure/function. Mutations in BAG3 account for approximately 2.5% of familial DCM cases (Hershberger RE and Morales A, 2013). Mutations in BAG3 may also cause myofibrillar myopathy type 6, which is characterized by early-onset, severe, progressive, diffuse muscle weakness associated with cardiomyopathy, severe respiratory insufficiency and spine rigidity (Hershberger RE and Morales A, 2013). Therefore, based on the currently available information, it is unclear whether this variant is a pathogenic mutation or a rare benign variant. The variant is found in CARDIOMYOPATHY panel(s).

Literature cited by the submitters: PubMed 31983221 (cited by 3 submitters); PubMed 37652022 (cited by Women's Health and Genetics/Laboratory Corporation of America, LabCorp).

NM_004281.4(BAG3):c.961C>T (p.Pro321Ser)

Gene: BAG3 (BAG cochaperone 3; plus strand). Cytogenetic location: 10q26.11.
Variant type: single nucleotide variant.
Coding change: c.961C>T on transcript NM_004281.4 (MANE Select); coding-DNA position 961, C replaced by T.
Protein change: p.Pro321Ser; replaces proline 321 with serine.
Molecular consequence: missense variant.
Genome position (GRCh38, 1-based): chr10:119,676,515, C>T. VCF-style: chr10-119676515-C-T. GRCh37 (hg19) VCF-style: chr10-121436027-C-T.
Other names: p.P321S:CCA>TCA; short protein forms P321S.
Identifiers: ClinVar variation 201683 (VCV000201683.14), dbSNP rs376832654, ClinGen allele CA308236.